The following is an entry in ClinVar:

ClinVar aggregate classification (germline): Pathogenic (1 of 4 stars; one submission).

Conditions:
Early-infantile DEE. Also called: Early infantile epileptic encephalopathy with suppression bursts; Early infantile epileptic encephalopathy; Ohtahara syndrome. Identifiers: Orphanet 1934, MedGen C0393706, MONDO:0800491.

Submission:

Labcorp Genetics (formerly Invitae), Labcorp
Classification: Pathogenic for Early-infantile DEE. Last evaluated: 2025-08-29. Review status: criteria provided, single submitter. Criteria: Invitae Variant Classification Sherloc (09022015). Collection method: clinical testing. Allele origin: germline.
Comment: This sequence change creates a premature translational stop signal (p.Lys625Argfs*17) in the KCNQ2 gene. While this is not anticipated to result in nonsense mediated decay, it is expected to disrupt the last 248 amino acid(s) of the KCNQ2 protein. This variant is not present in population databases (gnomAD no frequency). This variant has not been reported in the literature in individuals affected with KCNQ2-related conditions. ClinVar contains an entry for this variant (Variation ID: 579390). This variant disrupts a region of the KCNQ2 protein in which other variant(s) (p.Cys744Leufs*91) have been determined to be pathogenic (PMID: 23692823). This suggests that this is a clinically significant region of the protein, and that variants that disrupt it are likely to be disease-causing. For these reasons, this variant has been classified as Pathogenic.

Literature cited by the submitters: PubMed 23692823.

NM_172107.4(KCNQ2):c.1872del (p.Lys625fs)

Gene: KCNQ2 (potassium voltage-gated channel subfamily Q member 2; minus strand). Cytogenetic location: 20q13.33.
Variant type: Deletion.
Coding change: c.1872del on transcript NM_172107.4 (MANE Select); coding-DNA position 1872, one base deleted (G; older notation c.1872delG).
Protein change: p.Lys625fs; shifts the reading frame from lysine 625.
Molecular consequence: frameshift variant.
Genome position (GRCh38, 1-based): chr20:63,408,428, C deleted on the plus strand (G on the coding strand, the reverse complement: KCNQ2 is on the minus strand); the first of 3 consecutive C bases (chr20:63,408,428-63,408,430); deleting any one gives the same sequence. VCF-style (leftmost placement, unchanged base first): chr20-63408427-TC-T. GRCh37 (hg19) VCF-style: chr20-62039780-TC-T.
Other names: c.1788del, p.Lys597fs (NM_004518.6); c.1818del, p.Lys607fs (NM_172106.3); c.1779del, p.Lys594fs (NM_172108.5); short protein forms K594fs, K597fs, K607fs, K625fs.
Identifiers: ClinVar variation 579390 (VCV000579390.9), dbSNP rs1568864658, ClinGen allele CA891844471.